The following is an entry in ClinVar:

ClinVar aggregate classification (germline): Likely pathogenic (1 of 4 stars; one submission).

Conditions:
Pachyonychia congenita 3 (PC3). Also called: KRT6A-Related Pachyonychia Congenita; PC-K6a. Identifiers: Orphanet 2309, MedGen C3714948, MONDO:0014324, OMIM 615726.

Submission:

Victorian Clinical Genetics Services, Murdoch Childrens Research Institute
Classification: Likely pathogenic for Pachyonychia congenita 3. Last evaluated: 2024-09-22. Review status: criteria provided, single submitter. Criteria: ACMG Guidelines, 2015. Collection method: clinical testing. Allele origin: germline. Inheritance: Autosomal dominant inheritance. Affected: yes.
Comment: Based on the classification scheme VCGS_Germline_v1.3.4, this variant is classified as Likely pathogenic. Following criteria are met: 0104 - Dominant negative is a known mechanism of disease in this gene and is associated with pachyonychia congenita 3 (MIM#615726; PMID: 21326300). (I) 0107 - This gene is associated with autosomal dominant disease. (I) 0211 - Canonical splice site variant without proven consequence on splicing (no functional evidence available). (SP) 0301 - Variant is absent from gnomAD (both v2 and v3). (SP) 0505 - Abnormal splicing is predicted by in silico tools and affected nucleotide is highly conserved. (SP) 0705 - No comparable splice site variants have previous evidence for pathogenicity. (I) 0807 - This variant has no previous evidence of pathogenicity. (I) 0905 - No published segregation evidence has been identified for this variant. (I) 1007 - No published functional evidence has been identified for this variant. (SP) Legend: (SP) - Supporting pathogenic, (I) - Information, (SB) - Supporting benign

Literature cited by the submitters: PubMed 21326300.

NM_005554.4(KRT6A):c.817-2A>G

Gene: KRT6A (keratin 6A; minus strand). Cytogenetic location: 12q13.13.
Variant type: single nucleotide variant.
Coding change: c.817-2A>G on transcript NM_005554.4 (MANE Select); the canonical splice acceptor site of the intron before coding-DNA position 817, A replaced by G.
Molecular consequence: splice acceptor variant.
Genome position (GRCh38, 1-based): chr12:52,490,955, T>C on the plus strand (A>G on the coding strand, the complement: KRT6A is on the minus strand). VCF-style: chr12-52490955-T-C. GRCh37 (hg19) VCF-style: chr12-52884739-T-C.
Identifiers: ClinVar variation 1806290 (VCV001806290.3), dbSNP rs2498491241, ClinGen allele CA384959686.